The following is an entry in ClinVar:

NM_052845.4(MMAB):c.577G>A (p.Glu193Lys)

Gene: MMAB (metabolism of cobalamin associated B; minus strand). Cytogenetic location: 12q24.11.
Variant type: single nucleotide variant.
Coding change: c.577G>A on transcript NM_052845.4 (MANE Select); coding-DNA position 577, G replaced by A.
Protein change: p.Glu193Lys; replaces glutamic acid 193 with lysine.
Molecular consequence: missense variant. On other transcripts: non-coding transcript variant (1).
Genome position (GRCh38, 1-based): chr12:109,561,047, C>T on the plus strand (G>A on the coding strand, the complement: MMAB is on the minus strand). VCF-style: chr12-109561047-C-T. GRCh37 (hg19) VCF-style: chr12-109998852-C-T.
Other names: short protein forms E193K.
Identifiers: ClinVar variation 554009 (VCV000554009.16), dbSNP rs749758687, ClinGen allele CA6778824.
Genomic context (GRCh38, chr12:109,561,047, plus strand): 5'-CCTTGTTCCTCTCCCTCTCCCTTGGGCCCTCTCCCTCTCTCCAGCCCTCTTACCGTCTCT[C>T]GGCCCGGCGGCACACGGCCCGGCAGAAATGCAGCGCCGAGCTGATCTTGCCTCCCGACTG-3'
Protein context (NP_443077.1, residues 183-203): HFCRAVCRRA[Glu193Lys]RRVVPLVQMG

ClinVar aggregate classification (germline): Pathogenic/Likely pathogenic. Review status: criteria provided, multiple submitters, no conflicts (2 of 4 stars). 4 submissions from 4 submitters: Pathogenic (1); Likely pathogenic (1). 2 of the submissions do not count toward it. Last evaluated 2025-12-18.

Conditions:
Methylmalonic aciduria, cblB type (MACB). Also called: METHYLMALONIC ACIDURIA, VITAMIN B12-RESPONSIVE, DUE TO DEFECT IN SYNTHESIS OF ADENOSYLCOBALAMIN, cblB TYPE; Vitamin B12-responsive methylmalonic acidemia type cblB; Methylmalonic acidemia cblB type. Identifiers: Orphanet 28, Orphanet 79311, MedGen C1855102, MONDO:0009614, OMIM 251110.

Allele frequency attached by ClinVar (database versions not stated): gnomAD 0.00001; gnomAD exomes 0.00001; ExAC 0.00002; TOPMed 0.00002.
gnomAD v4.1: 20 of 1,599,550 alleles (0.0013%); highest among the groups gnomAD compares: South Asian, 0.0033%; no homozygotes.

Submissions (4):

Labcorp Genetics (formerly Invitae), Labcorp
Classification: Pathogenic for Methylmalonic aciduria, cblB type. Last evaluated: 2025-12-18. Review status: criteria provided, single submitter. Criteria: Invitae Variant Classification Sherloc (09022015). Collection method: clinical testing. Allele origin: germline.
Comment: This sequence change replaces glutamic acid, which is acidic and polar, with lysine, which is basic and polar, at codon 193 of the MMAB protein (p.Glu193Lys). The frequency data for this variant in the population databases is considered unreliable, as metrics indicate poor data quality at this position in the gnomAD database. This missense change has been observed in individual(s) with methylmalonic aciduria (PMID: 12471062, 25760844, 31622506, 33453710, 34796408). In at least one individual the data is consistent with being in trans (on the opposite chromosome) from a pathogenic variant. ClinVar contains an entry for this variant (Variation ID: 554009). Invitae Evidence Modeling of protein sequence and biophysical properties (such as structural, functional, and spatial information, amino acid conservation, physicochemical variation, residue mobility, and thermodynamic stability) indicates that this missense variant is expected to disrupt MMAB protein function with a positive predictive value of 80%. Experimental studies have shown that this missense change affects MMAB function (PMID: 16439175, 34757128). For these reasons, this variant has been classified as Pathogenic.

Natera, Inc.
Classification: Likely pathogenic for Methylmalonic aciduria cblB type. Last evaluated: 2025-11-17. Review status: criteria provided, single submitter. Criteria: Natera Variant Classification Schema (03/2026). Collection method: clinical testing. Allele origin: germline.
Comment: The c.577G>A variant in MMAB is a missense variant predicted to cause substitution of glutamic acid to lysine at amino acid 193. This variant is rare in the general population with a frequency below the threshold expected for the associated phenotype(s). This variant has been observed in one or more individuals affected with the associated recessive disease, as either homozygous or compound heterozygous with a second variant (PMID: 12471062, 25760844, 33453710, 34796408, 39633313). Computational prediction algorithms indicate this variant is likely to affect gene or protein function. Given the available evidence, this variant is classified as Likely Pathogenic.

Baumgartner lab, University Children's Hospital Zurich
Classification: Pathogenic for Methylmalonic aciduria, cblB type. Last evaluated: 2021-06-01. Review status: no assertion criteria provided. Collection method: clinical testing. Allele origin: germline. Affected: yes. Not counted in ClinVar's aggregate classification.

Counsyl
Classification: Uncertain significance for Methylmalonic aciduria, cblB type. Last evaluated: 2017-09-22. Review status: no assertion criteria provided. Collection method: clinical testing. Allele origin: unknown. Not counted in ClinVar's aggregate classification.

Literature cited by the submitters: PubMed 12471062 (cited by 3 submitters); PubMed 25760844 (cited by 3 submitters); PubMed 31622506 (cited by Labcorp Genetics (formerly Invitae), Labcorp); PubMed 33453710 (cited by Labcorp Genetics (formerly Invitae), Labcorp and Natera, Inc.); PubMed 34796408 (cited by Labcorp Genetics (formerly Invitae), Labcorp and Natera, Inc.); PubMed 16439175 (cited by Labcorp Genetics (formerly Invitae), Labcorp); PubMed 34757128 (cited by Labcorp Genetics (formerly Invitae), Labcorp); PubMed 39633313 (cited by Natera, Inc.); PubMed 16410054 (cited by Counsyl).